The following is an entry in ClinVar:

ClinVar aggregate classification (germline): Pathogenic (1 of 4 stars; one submission).

Conditions:
Mowat-Wilson syndrome (MOWS). Also called: Classic Mowat-Wilson Syndrome. Identifiers: Orphanet 2152, MedGen C1856113, MONDO:0009341, OMIM 235730.

Submission:

Labcorp Genetics (formerly Invitae), Labcorp
Classification: Pathogenic for Mowat-Wilson syndrome. Last evaluated: 2023-08-09. Review status: criteria provided, single submitter. Criteria: Invitae Variant Classification Sherloc (09022015). Collection method: clinical testing. Allele origin: germline.
Comment: This variant is not present in population databases (gnomAD no frequency). For these reasons, this variant has been classified as Pathogenic. This variant has not been reported in the literature in individuals affected with ZEB2-related conditions. This sequence change creates a premature translational stop signal (p.Thr522Leufs*22) in the ZEB2 gene. It is expected to result in an absent or disrupted protein product. Loss-of-function variants in ZEB2 are known to be pathogenic (PMID: 16053902).

Literature cited by the submitters: PubMed 16053902.

NM_014795.4(ZEB2):c.1564del (p.Thr522fs)

Gene: ZEB2 (zinc finger E-box binding homeobox 2; minus strand). Cytogenetic location: 2q22.3.
Variant type: Deletion.
Coding change: c.1564del on transcript NM_014795.4 (MANE Select); coding-DNA position 1564, one base deleted (A; older notation c.1564delA).
Protein change: p.Thr522fs; shifts the reading frame from threonine 522.
Molecular consequence: frameshift variant.
Genome position (GRCh38, 1-based): chr2:144,399,623, T deleted on the plus strand (A on the coding strand, the reverse complement: ZEB2 is on the minus strand). VCF-style (leftmost placement, unchanged base first): chr2-144399622-GT-G. GRCh37 (hg19) VCF-style: chr2-145157189-GT-G.
Other names: c.1492del, p.Thr498fs (NM_001171653.2); short protein forms T498fs, T522fs.
Identifiers: ClinVar variation 2751262 (VCV002751262.3), dbSNP rs2549106663, ClinGen allele CA2697551031.